The following is an entry in ClinVar:

NM_000094.4(COL7A1):c.6595C>T (p.Pro2199Ser)

Gene: COL7A1 (collagen type VII alpha 1 chain; minus strand). Cytogenetic location: 3p21.31.
Variant type: single nucleotide variant.
Coding change: c.6595C>T on transcript NM_000094.4 (MANE Select); coding-DNA position 6595, C replaced by T.
Protein change: p.Pro2199Ser; replaces proline 2199 with serine.
Molecular consequence: missense variant.
Genome position (GRCh38, 1-based): chr3:48,573,536, G>A on the plus strand (C>T on the coding strand, the complement: COL7A1 is on the minus strand). VCF-style: chr3-48573536-G-A. GRCh37 (hg19) VCF-style: chr3-48610969-G-A.
Other names: short protein forms P2199S.
Identifiers: ClinVar variation 2163509 (VCV002163509.3), dbSNP rs747000083, ClinGen allele CA2378934.

ClinVar aggregate classification (germline): Uncertain significance (1 of 4 stars; one submission).

Allele frequency attached by ClinVar (database versions not stated): ExAC 0.00002; TOPMed 0.00002; gnomAD exomes 0.00003.
gnomAD v4.1: 48 of 1,613,988 alleles (0.003%); highest among the groups gnomAD compares: Admixed American, 0.0067%; no homozygotes.

Submission:

Labcorp Genetics (formerly Invitae), Labcorp
Classification: Uncertain significance. Last evaluated: 2025-10-13. Review status: criteria provided, single submitter. Criteria: Invitae Variant Classification Sherloc (09022015). Collection method: clinical testing. Allele origin: germline.
Comment: This sequence change replaces proline, which is neutral and non-polar, with serine, which is neutral and polar, at codon 2199 of the COL7A1 protein (p.Pro2199Ser). This variant is present in population databases (rs747000083, gnomAD 0.006%). This variant has not been reported in the literature in individuals affected with COL7A1-related conditions. ClinVar contains an entry for this variant (Variation ID: 2163509). Invitae Evidence Modeling of protein sequence and biophysical properties (such as structural, functional, and spatial information, amino acid conservation, physicochemical variation, residue mobility, and thermodynamic stability) indicates that this missense variant is not expected to disrupt COL7A1 protein function with a negative predictive value of 95%. In summary, the available evidence is currently insufficient to determine the role of this variant in disease. Therefore, it has been classified as a Variant of Uncertain Significance.